The following is an entry in ClinVar:

ClinVar aggregate classification (germline): Uncertain significance (1 of 4 stars; one submission).

Conditions:
Primary ciliary dyskinesia. Also called: Ciliary dyskinesia. Identifiers: Orphanet 244, MedGen C0008780, MONDO:0016575, HP:0012265.

Allele frequency attached by ClinVar (database versions not stated): gnomAD exomes below 0.00001.
gnomAD v4.1: 1 of 1,613,722 alleles (0.000062%); highest among the groups gnomAD compares: Non-Finnish European, 0.000085%; no homozygotes.

Submission:

Labcorp Genetics (formerly Invitae), Labcorp
Classification: Uncertain significance for Primary ciliary dyskinesia. Last evaluated: 2018-09-15. Review status: criteria provided, single submitter. Criteria: Invitae Variant Classification Sherloc (09022015). Collection method: clinical testing. Allele origin: germline.
Comment: This sequence change replaces proline with leucine at codon 671 of the DNAAF1 protein (p.Pro671Leu). The proline residue is weakly conserved and there is a moderate physicochemical difference between proline and leucine. This variant is not present in population databases (ExAC no frequency). This variant has not been reported in the literature in individuals with DNAAF1-related disease. Algorithms developed to predict the effect of missense changes on protein structure and function output the following: SIFT: "Tolerated"; PolyPhen-2: "Benign"; Align-GVGD: "Class C0". The leucine amino acid residue is found in multiple mammalian species, suggesting that this missense change does not adversely affect protein function. These predictions have not been confirmed by published functional studies and their clinical significance is uncertain. In summary, the available evidence is currently insufficient to determine the role of this variant in disease. Therefore, it has been classified as a Variant of Uncertain Significance.

NM_178452.6(DNAAF1):c.2012C>T (p.Pro671Leu)

Gene: DNAAF1 (dynein axonemal assembly factor 1; plus strand). Cytogenetic location: 16q24.1.
Variant type: single nucleotide variant.
Coding change: c.2012C>T on transcript NM_178452.6 (MANE Select); coding-DNA position 2012, C replaced by T.
Protein change: p.Pro671Leu; replaces proline 671 with leucine.
Molecular consequence: missense variant.
Genome position (GRCh38, 1-based): chr16:84,176,246, C>T. VCF-style: chr16-84176246-C-T. GRCh37 (hg19) VCF-style: chr16-84209852-C-T.
Other names: c.1304C>T, p.Pro435Leu (NM_001318756.1); short protein forms P435L, P671L.
Identifiers: ClinVar variation 647825 (VCV000647825.1), dbSNP rs1597498231, ClinGen allele CA396951300.